The following is an entry in ClinVar:

ClinVar aggregate classification (germline): Uncertain significance (1 of 4 stars; one submission).

gnomAD v4.1: 1 of 1,208,381 alleles (0.000083%); no homozygotes.

Submission:

GeneDx
Classification: Uncertain significance. Last evaluated: 2020-02-26. Review status: criteria provided, single submitter. Criteria: GeneDx Variant Classification Process June 2021. Collection method: clinical testing. Allele origin: germline. Affected: yes.
Comment: Not observed in large population cohorts (Lek et al., 2016); In silico analysis supports that this missense variant has a deleterious effect on protein structure/function; Has not been previously published as pathogenic or benign to our knowledge

NM_001257291.2(SLC9A7):c.1898C>T (p.Ala633Val)

Gene: SLC9A7 (solute carrier family 9 member A7; minus strand). Cytogenetic location: Xp11.3.
Variant type: single nucleotide variant.
Coding change: c.1898C>T on transcript NM_001257291.2 (MANE Select); coding-DNA position 1898, C replaced by T.
Protein change: p.Ala633Val; replaces alanine 633 with valine.
Molecular consequence: missense variant.
Genome position (GRCh38, 1-based): chrX:46,613,320, G>A on the plus strand (C>T on the coding strand, the complement: SLC9A7 is on the minus strand). VCF-style: chrX-46613320-G-A. GRCh37 (hg19) VCF-style: chrX-46472755-G-A.
Other names: c.1895C>T, p.Ala632Val (NM_032591.3); short protein forms A632V, A633V.
Identifiers: ClinVar variation 1315423 (VCV001315423.2), dbSNP rs2146678984, ClinGen allele CA413033396.
Genomic context (GRCh38, chrX:46,613,320, plus strand): 5'-GGACTCCAACCCTGATGTGCAGTACTTACATCGTACACCTGGGGACTGGTCAGACATCGA[G>A]CTAGTAAGCCACACCAGGCGGGGAGCGTGGTGGTTAGTGGGGGACCACTGTGTGTGAGGA-3'
Protein context (NP_001244220.1, residues 623-643): TTLPAWCGLL[Ala633Val]RCLTSPQVYD